The following is an entry in ClinVar:

NM_001928.4(CFD):c.695G>C (p.Arg232Pro)

Gene: CFD (complement factor D; plus strand). Cytogenetic location: 19p13.3.
Variant type: single nucleotide variant.
Coding change: c.695G>C on transcript NM_001928.4 (MANE Select); coding-DNA position 695, G replaced by C.
Protein change: p.Arg232Pro; replaces arginine 232 with proline.
Molecular consequence: missense variant.
Genome position (GRCh38, 1-based): chr19:863,171, G>C. VCF-style: chr19-863171-G-C. GRCh37 (hg19) VCF-style: chr19-863171-G-C.
Other names: c.716G>C, p.Arg239Pro (NM_001317335.2); short protein forms R232P, R239P.
Identifiers: ClinVar variation 2421674 (VCV002421674.3), dbSNP rs764710522, ClinGen allele CA9026452.

ClinVar aggregate classification (germline): Uncertain significance (1 of 4 stars; one submission).

Allele frequency attached by ClinVar (database versions not stated): ExAC 0.00006.
gnomAD v4.1: 5 of 1,479,864 alleles (0.00034%); highest among the groups gnomAD compares: Middle Eastern, 0.017%; no homozygotes.

Submission:

Labcorp Genetics (formerly Invitae), Labcorp
Classification: Uncertain significance. Last evaluated: 2022-04-01. Review status: criteria provided, single submitter. Criteria: Invitae Variant Classification Sherloc (09022015). Collection method: clinical testing. Allele origin: germline.
Comment: This sequence change replaces arginine, which is basic and polar, with proline, which is neutral and non-polar, at codon 232 of the CFD protein (p.Arg232Pro). This variant is present in population databases (rs764710522, gnomAD 0.01%). This variant has not been reported in the literature in individuals affected with CFD-related conditions. Algorithms developed to predict the effect of missense changes on protein structure and function output the following: SIFT: "Not Available"; PolyPhen-2: "Benign"; Align-GVGD: "Not Available". The proline amino acid residue is found in multiple mammalian species, which suggests that this missense change does not adversely affect protein function. In summary, the available evidence is currently insufficient to determine the role of this variant in disease. Therefore, it has been classified as a Variant of Uncertain Significance.